The following is an entry in ClinVar:

ClinVar aggregate classification (germline): Pathogenic. Review status: criteria provided, multiple submitters, no conflicts (2 of 4 stars). 12 submissions from 12 submitters: Pathogenic (11). 1 of the submissions does not count toward it. Last evaluated 2025-06-14.

Conditions:
SPG11-related disorder. Also called: SPG11-related condition.
Inborn genetic diseases. Identifiers: MedGen C0950123, MeSH D030342.
Hereditary spastic paraplegia. Also called: Familial spastic paraparesis. Identifiers: Orphanet 685, MedGen C0037773, MONDO:0019064. Disease mechanism: loss of function.
Hereditary spastic paraplegia 11. Also called: SPASTIC PARAPLEGIA, AUTOSOMAL RECESSIVE, COMPLICATED, WITH THIN CORPUS CALLOSUM; SPASTIC PARAPLEGIA, AUTOSOMAL RECESSIVE, WITH MENTAL IMPAIRMENT AND THIN CORPUS CALLOSUM; Spastic Paraplegia 11; Spastic paraplegia, mental retardation and thin corpus callosum; Nakamura Osame syndrome; Autosomal recessive hereditary spastic paraplegia, mental impairment, and thin corpus callosum. Identifiers: Orphanet 2822, MedGen C1858479, MONDO:0011445, OMIM 604360.

Submissions (12):

Labcorp Genetics (formerly Invitae), Labcorp
Classification: Pathogenic for Hereditary spastic paraplegia 11. Last evaluated: 2025-06-14. Review status: criteria provided, single submitter. Criteria: Invitae Variant Classification Sherloc (09022015). Collection method: clinical testing. Allele origin: germline.
Comment: This sequence change creates a premature translational stop signal (p.Ser2278Leufs*61) in the SPG11 gene. It is expected to result in an absent or disrupted protein product. Loss-of-function variants in SPG11 are known to be pathogenic (PMID: 19105190, 20110243, 22154821, 26556829). This variant is present in population databases (rs312262784, gnomAD 0.006%). This premature translational stop signal has been observed in individuals with SPG11-related conditions (PMID: 18079167, 21035867, 22237444, 26556829, 27084228). It has also been observed to segregate with disease in related individuals. ClinVar contains an entry for this variant (Variation ID: 41351). For these reasons, this variant has been classified as Pathogenic.

3billion
Classification: Pathogenic for Hereditary spastic paraplegia 11. Last evaluated: 2024-12-21. Review status: criteria provided, single submitter. Criteria: ACMG Guidelines, 2015. Collection method: clinical testing. Allele origin: germline. Affected: yes.
Comment: The variant is observed at an extremely low frequency in the gnomAD v4.1.0 dataset (total allele frequency: 0.001%). Predicted Consequence/Location: Frameshift: predicted to result in a loss or disruption of normal protein function through nonsense-mediated decay (NMD) or protein truncation. Multiple pathogenic variants are reported downstream of the variant. The variant has been reported at least twice as pathogenic with clinical assertions and evidence for the classification (ClinVar ID: VCV000041351 /PMID: 18079167 /3billion dataset). Therefore, this variant is classified as Pathogenic according to the recommendation of ACMG/AMP guideline.

Broad Center for Mendelian Genomics, Broad Institute of MIT and Harvard
Classification: Pathogenic for Hereditary spastic paraplegia 11. Last evaluated: 2023-01-25. Review status: criteria provided, single submitter. Criteria: ACMG Guidelines, 2015. Collection method: curation. Allele origin: germline. Inheritance: Autosomal recessive inheritance.
Comment: The p.Ser2278LeufsTer61 variant in SPG11 has been previously reported in 4 unrelated individuals with hereditary spastic paraplegia 11 (PMID: 27084228, PMID: 26556829, PMID: 22237444, PMID: 18079167) and segregated with disease in 4 affected relatives from 2 families (PMID: 26556829, PMID: 18079167), but has been identified in 0.005% (1/18390) of East Asian chromosomes by the Genome Aggregation Database (gnomAD; dbSNP ID: rs312262784). Although this variant has been seen in the general population in a heterozygous state, its frequency is low enough to be consistent with a recessive carrier frequency. Of these 4 affected unrelated individuals PMID: 27084228, PMID: 26556829, PMID: 22237444, PMID: 18079167), two were homozygotes (PMID: 18079167, PMID: 26556829), one was a compound heterozygote who carried a likely pathogenic variant in trans (PMID: 27084228) and one was a compound heterozygote who carried a likely pathogenic variant in unknown phase (PMID: 22237444). This variant has also been reported in ClinVar (Variation ID: 41351) and has been interpreted as pathogenic by multiple submitters. This variant is predicted to cause a frameshift, which alters the protein‚Äôs amino acid sequence beginning at position 2278 and leads to a premature termination codon 61 amino acids downstream. This alteration is then predicted to lead to a truncated or absent protein. Loss of function of the SPG11 gene is an established disease mechanism in autosomal recessive spastic paraplegia 11. In summary, this variant meets criteria to be classified as pathogenic for autosomal recessive spastic paraplegia 11. ACMG/AMP Criteria applied: PVS1, PM2_Supporting, PM3_Strong, PP1_Moderate (Richards 2015).

Athena Diagnostics
Classification: Pathogenic. Last evaluated: 2021-12-22. Review status: criteria provided, single submitter. Criteria: Athena Diagnostics Criteria. Collection method: clinical testing. Allele origin: unknown.
Comment: This variant is expected to result in the loss of a functional protein. The frequency of this variant in the general population is consistent with pathogenicity. This variant has been identified in at least one individual with clinical features associated with this gene.

Ambry Genetics
Classification: Pathogenic for Inborn genetic diseases. Last evaluated: 2021-11-15. Review status: criteria provided, single submitter. Criteria: Ambry Variant Classification Scheme 2023. Collection method: clinical testing. Allele origin: germline.
Comment: The c.6832_6833delAG pathogenic mutation, located in coding exon 37 of the SPG11 gene, results from a deletion of two nucleotides at nucleotide positions 6832 to 6833, causing a translational frameshift with a predicted alternate stop codon (p.S2278Lfs*61). This variant has been reported in the homozygous and compound heterozygous states in multiple patients with hereditary spastic paraplegia and/or Charcot-Marie-Tooth disease (Stevanin G et al. Brain, 2008 Mar;131:772-84; Concei&ccedil;&atilde;o Pereira M et al. Genet Med, 2012 Jan;14:143-51; Balicza P et al. J Neurol Sci, 2016 May;364:116-21; Montecchiani C et al. Brain, 2016 Jan;139:73-85). This variant is considered to be rare based on population cohorts in the Genome Aggregation Database (gnomAD). In addition to the clinical data presented in the literature, this alteration is expected to result in loss of function by premature protein truncation or nonsense-mediated mRNA decay. As such, this alteration is interpreted as a disease-causing mutation.

Blueprint Genetics
Classification: Pathogenic for SPG11-related disorders. Last evaluated: 2021-10-08. Review status: criteria provided, single submitter. Criteria: ACMG Guidelines, 2015. Collection method: clinical testing. Allele origin: germline. Affected: yes. Observed: 3 variant alleles.

Revvity Omics, Revvity
Classification: Pathogenic. Last evaluated: 2021-03-06. Review status: criteria provided, single submitter. Criteria: ACMG Guidelines, 2015. Collection method: clinical testing. Allele origin: germline.

Mendelics
Classification: Pathogenic for Hereditary spastic paraplegia 11. Last evaluated: 2019-05-28. Review status: criteria provided, single submitter. Criteria: Mendelics Assertion Criteria 2017. Collection method: clinical testing. Allele origin: unknown.

Laboratory for Molecular Medicine, Mass General Brigham Personalized Medicine
Classification: Pathogenic for Hereditary spastic paraplegia. Last evaluated: 2018-09-17. Review status: criteria provided, single submitter. Criteria: ACMG Guidelines, 2015. Collection method: clinical testing. Allele origin: germline. Inheritance: Autosomal recessive inheritance.
Comment: The p.Ser2278LeufsX61 variant in SPG11 has been reported in the homozygous or compound heterozygous state in at least 3 individuals with hereditary spastic paraplegia (HSP) and 1 individual with Charcot-Marie-Tooth hereditary neuropathy type 2 (CMT2; Stevanin 2008, Conceicao Pereira 2012, Montecchiani 2016, Balicza 2016). It segregated with disease in two affected members of two families; one with HSP and one with CMT2. This variant has also been identified in 0.01% (1/17244) of East Asian chromosomes by the Genome Aggregation Database (gnomAD). This variant is predicted to cause a frameshift, which alters the protein’s amino acid sequence beginning at position 2278 and leads to a premature termination codon 61 amino acids downstream. This alteration is then predicted to lead to a truncated or absent protein. In summary, this variant meets criteria to be classified as pathogenic for spastic paraplegia in an autosomal recessive manner. ACMG/AMP Criteria applied: PVS1, PM3_Strong, PM2_Supporting, PP1.

Consultorio y Laboratorio de Neurogenética, Hospital JM Ramos Mejia
Classification: Pathogenic for Hereditary spastic paraplegia 11. Review status: criteria provided, single submitter. Criteria: Perez et al. (J Hum Genet. 2020). Collection method: clinical testing. Allele origin: unknown. Inheritance: Autosomal recessive inheritance. Affected: yes. Observed: 1 compound heterozygote.

Genome-Nilou Lab
Classification: Pathogenic for Hereditary spastic paraplegia 11. Review status: criteria provided, single submitter. Criteria: ACMG Guidelines, 2015. Collection method: clinical testing. Allele origin: germline.

GeneReviews
No classification provided. Condition: Hereditary spastic paraplegia 11. Review status: no classification provided. Collection method: literature only. Allele origin: unknown. Not counted in ClinVar's aggregate classification.

Literature cited by the submitters: PubMed 19105190 (cited by Labcorp Genetics (formerly Invitae), Labcorp); PubMed 20110243 (cited by Labcorp Genetics (formerly Invitae), Labcorp); PubMed 22154821 (cited by Labcorp Genetics (formerly Invitae), Labcorp); PubMed 26556829 (cited by 4 submitters); PubMed 18079167 (cited by 6 submitters); PubMed 21035867 (cited by Labcorp Genetics (formerly Invitae), Labcorp and Athena Diagnostics); PubMed 22237444 (cited by 4 submitters); PubMed 27084228 (cited by 4 submitters); PubMed 20301389 (cited by GeneReviews); NCBI Bookshelf NBK1210 (cited by GeneReviews).

NM_025137.4(SPG11):c.6832_6833del (p.Ser2278fs)

Gene: SPG11 (SPG11 vesicle trafficking associated, spatacsin; minus strand). Cytogenetic location: 15q21.1.
Variant type: Microsatellite.
Coding change: c.6832_6833del on transcript NM_025137.4 (MANE Select); coding-DNA positions 6832 to 6833, 2 bases deleted (AG; older notation c.6832_6833delAG).
Protein change: p.Ser2278fs; shifts the reading frame from serine 2278.
Molecular consequence: frameshift variant.
Genome position (GRCh38, 1-based): chr15:44,566,227-44,566,228, CT deleted on the plus strand (AG on the coding strand, the reverse complement: SPG11 is on the minus strand); deleting any 2 consecutive bases within chr15:44,566,227-44,566,232 gives the same sequence; the c. name uses the placement nearest the transcript's 3' end. VCF-style (leftmost placement, unchanged base first): chr15-44566226-ACT-A. GRCh37 (hg19) VCF-style: chr15-44858424-ACT-A.
Other names: NM_025137.4(SPG11):c.6832_6833del; p.Ser2278fs; c.6832_6833del (NM_025137.3); c.6493_6494del, p.Ser2165fs (NM_001160227.2); short protein forms S2165fs, S2278fs.
Identifiers: ClinVar variation 41351 (VCV000041351.25), dbSNP rs312262784, ClinGen allele CA344382.